The following is an entry in ClinVar:

ClinVar aggregate classification (germline): Likely pathogenic. Review status: criteria provided, multiple submitters, no conflicts (2 of 4 stars). 2 submissions from 2 submitters: Likely pathogenic (2). Last evaluated 2024-09-26.

Conditions:
Nephronophthisis 15 (NPHP15). Identifiers: Orphanet 3156, MedGen C3541853, MONDO:0013917, OMIM 614845.

Allele frequency attached by ClinVar (database versions not stated): TOPMed below 0.00001.
gnomAD v4.1: 8 of 1,608,200 alleles (0.0005%); highest among the groups gnomAD compares: Non-Finnish European, 0.00068%; no homozygotes.

Submissions (2):

Labcorp Genetics (formerly Invitae), Labcorp
Classification: Likely pathogenic for Nephronophthisis 15. Last evaluated: 2024-09-26. Review status: criteria provided, single submitter. Criteria: Invitae Variant Classification Sherloc (09022015). Collection method: clinical testing. Allele origin: germline.
Comment: This sequence change affects an acceptor splice site in intron 23 of the CEP164 gene. It is expected to disrupt RNA splicing. Variants that disrupt the donor or acceptor splice site typically lead to a loss of protein function (PMID: 16199547), and loss-of-function variants in CEP164 are known to be pathogenic (PMID: 22863007, 28125082, 32367404, 34132027, 34499853). This variant is present in population databases (no rsID available, gnomAD 0.002%). This variant has not been reported in the literature in individuals affected with CEP164-related conditions. ClinVar contains an entry for this variant (Variation ID: 1984086). Algorithms developed to predict the effect of sequence changes on RNA splicing suggest that this variant may disrupt the consensus splice site. In summary, the currently available evidence indicates that the variant is pathogenic, but additional data are needed to prove that conclusively. Therefore, this variant has been classified as Likely Pathogenic.

Fulgent Genetics
Classification: Likely pathogenic for Nephronophthisis 15. Last evaluated: 2024-01-22. Review status: criteria provided, single submitter. Criteria: ACMG Guidelines, 2015. Collection method: clinical testing. Allele origin: germline.

Literature cited by the submitters: PubMed 16199547 (cited by Labcorp Genetics (formerly Invitae), Labcorp); PubMed 22863007 (cited by Labcorp Genetics (formerly Invitae), Labcorp); PubMed 28125082 (cited by Labcorp Genetics (formerly Invitae), Labcorp); PubMed 32367404 (cited by Labcorp Genetics (formerly Invitae), Labcorp); PubMed 34132027 (cited by Labcorp Genetics (formerly Invitae), Labcorp); PubMed 34499853 (cited by Labcorp Genetics (formerly Invitae), Labcorp).

NM_014956.5(CEP164):c.2914-1G>C

Gene: CEP164 (centrosomal protein 164; plus strand). Cytogenetic location: 11q23.3.
Variant type: single nucleotide variant.
Coding change: c.2914-1G>C on transcript NM_014956.5 (MANE Select); the canonical splice acceptor site of the intron before coding-DNA position 2914, G replaced by C.
Molecular consequence: splice acceptor variant.
Genome position (GRCh38, 1-based): chr11:117,395,546, G>C. VCF-style: chr11-117395546-G-C. GRCh37 (hg19) VCF-style: chr11-117266262-G-C.
Other names: c.2923-1G>C (NM_001271933.2).
Identifiers: ClinVar variation 1984086 (VCV001984086.5), dbSNP rs1218292786, ClinGen allele CA382730892.
Genomic context (GRCh38, chr11:117,395,546, plus strand): 5'-CTGCTCCCTGGCTTCTCTCTGTGCTGTCTCTGGGTGCTTCTATCTTTCCTTTTGCCCCTA[G>C]GAAGCCACAGCCACCCATCAGCAGCTGGAGGAGGCACAGAAGGAGCACACCCACCTGTTG-3'